The following is an entry in ClinVar:

NM_004656.4(BAP1):c.38-1G>T

Gene: BAP1 (BRCA1 associated deubiquitinase 1; minus strand). Cytogenetic location: 3p21.1.
Variant type: single nucleotide variant.
Coding change: c.38-1G>T on transcript NM_004656.4 (MANE Select); the canonical splice acceptor site of the intron before coding-DNA position 38, G replaced by T.
Molecular consequence: splice acceptor variant.
Genome position (GRCh38, 1-based): chr3:52,409,744, C>A on the plus strand (G>T on the coding strand, the complement: BAP1 is on the minus strand). VCF-style: chr3-52409744-C-A. GRCh37 (hg19) VCF-style: chr3-52443760-C-A.
Other names: c.38-1G>T (NM_001410772.1).
Identifiers: ClinVar variation 2698205 (VCV002698205.3), dbSNP rs1553646367, ClinGen allele CA353115000.

ClinVar aggregate classification (germline): Pathogenic (1 of 4 stars; one submission).

Conditions:
BAP1-related tumor predisposition syndrome (TPDS1). Also called: Tumor susceptibility linked to germline BAP1 mutations; COMMON Syndrome; TUMOR PREDISPOSITION SYNDROME 1; BAP1 tumor predisposition syndrome. Identifiers: Orphanet 289539, MedGen C3280492, MONDO:0013692, OMIM 614327.

Submission:

Labcorp Genetics (formerly Invitae), Labcorp
Classification: Pathogenic for BAP1-related tumor predisposition syndrome. Last evaluated: 2023-11-24. Review status: criteria provided, single submitter. Criteria: Invitae Variant Classification Sherloc (09022015). Collection method: clinical testing. Allele origin: germline.
Comment: This sequence change affects an acceptor splice site in intron 1 of the BAP1 gene. It is expected to disrupt RNA splicing. Variants that disrupt the donor or acceptor splice site typically lead to a loss of protein function (PMID: 16199547), and loss-of-function variants in BAP1 are known to be pathogenic (PMID: 21874000, 23684012). This variant is not present in population databases (gnomAD no frequency). Disruption of this splice site has been observed in individuals with BAP1-related cancers (PMID: 35032816). Algorithms developed to predict the effect of sequence changes on RNA splicing suggest that this variant may disrupt the consensus splice site. For these reasons, this variant has been classified as Pathogenic.

Literature cited by the submitters: PubMed 16199547; PubMed 21874000; PubMed 23684012; PubMed 35032816.